The following is an entry in ClinVar:

NM_005655.4(KLF10):c.557GAA[2] (p.Arg188del)

Gene: KLF10 (KLF transcription factor 10; minus strand). Cytogenetic location: 8q22.3.
Variant type: Microsatellite.
Coding change: c.557GAA[2] on transcript NM_005655.4 (MANE Select); two copies in a row of the 3-base unit GAA starting at c.557; the reference has three copies in a row; one copy, 3 bases deleted.
Protein change: p.Arg188del; deletes arginine 188.
Molecular consequence: inframe deletion.
Genome position (GRCh38, 1-based): chr8:102,651,767-102,651,769, TTC deleted on the plus strand (GAA on the coding strand, the reverse complement: KLF10 is on the minus strand); deleting any 3 consecutive bases within chr8:102,651,767-102,651,776 gives the same sequence; the position shown is the placement nearest the transcript's 3' end. VCF-style (leftmost placement, unchanged base first): chr8-102651766-GTTC-G. GRCh37 (hg19) VCF-style: chr8-103663994-GTTC-G.
Other names: c.524GAA[2], p.Arg177del (NM_001032282.4); short protein forms R177del, R188del.
Identifiers: ClinVar variation 1946007 (VCV001946007.5), dbSNP rs773117149, ClinGen allele CA4833579.

ClinVar aggregate classification (germline): Uncertain significance (1 of 4 stars; one submission).

Submission:

Labcorp Genetics (formerly Invitae), Labcorp
Classification: Uncertain significance. Last evaluated: 2023-04-15. Review status: criteria provided, single submitter. Criteria: Invitae Variant Classification Sherloc (09022015). Collection method: clinical testing. Allele origin: germline.
Comment: This variant, c.563_565del, results in the deletion of 1 amino acid(s) of the KLF10 protein (p.Arg188del), but otherwise preserves the integrity of the reading frame. This variant is present in population databases (rs773117149, gnomAD 0.003%). This variant has not been reported in the literature in individuals affected with KLF10-related conditions. Experimental studies and prediction algorithms are not available or were not evaluated, and the functional significance of this variant is currently unknown. In summary, the available evidence is currently insufficient to determine the role of this variant in disease. Therefore, it has been classified as a Variant of Uncertain Significance.